The following is an entry in ClinVar:

ClinVar aggregate classification (germline): Uncertain significance (1 of 4 stars; one submission).

Conditions:
TCOF1-related disorder. Also called: TCOF1-related condition.

gnomAD v4.1: 8 of 1,614,084 alleles (0.0005%); highest among the groups gnomAD compares: Non-Finnish European, 0.00059%; no homozygotes.

Submission:

PreventionGenetics, part of Exact Sciences
Classification: Uncertain significance for TCOF1-related condition. Last evaluated: 2026-04-12. Review status: criteria provided, single submitter. Criteria: ACMG Guidelines, 2015. Collection method: clinical testing. Allele origin: germline.
Comment: The TCOF1 c.2437G>C variant is predicted to result in the amino acid substitution p.Val813Leu. To our knowledge, this variant has not been reported in the literature or in a large population database (gnomAD), indicating this variant is rare. At this time, the clinical significance of this variant is uncertain due to the absence of conclusive functional and genetic evidence.

NM_001371623.1(TCOF1):c.2437G>C (p.Val813Leu)

Gene: TCOF1 (treacle ribosome biogenesis factor 1; plus strand). Cytogenetic location: 5q32.
Variant type: single nucleotide variant.
Coding change: c.2437G>C on transcript NM_001371623.1 (MANE Select); coding-DNA position 2437, G replaced by C.
Protein change: p.Val813Leu; replaces valine 813 with leucine.
Molecular consequence: missense variant.
Genome position (GRCh38, 1-based): chr5:150,379,001, G>C. VCF-style: chr5-150379001-G-C. GRCh37 (hg19) VCF-style: chr5-149758564-G-C.
Other names: c.2206G>C, p.Val736Leu (NM_000356.4, NM_001135245.2, NM_001437406.1); c.2437G>C, p.Val813Leu (NM_001008657.3, NM_001135243.2, NM_001135244.2 and 1 more transcripts); short protein forms V813L, V736L.
Identifiers: ClinVar variation 4985825 (VCV004985825.1).